The following is an entry in ClinVar:

NM_016032.4(ZDHHC9):c.488-2A>G

Gene: ZDHHC9 (zDHHC palmitoyltransferase 9; minus strand). Cytogenetic location: Xq26.1.
Variant type: single nucleotide variant.
Coding change: c.488-2A>G on transcript NM_016032.4 (MANE Select); the canonical splice acceptor site of the intron before coding-DNA position 488, A replaced by G.
Molecular consequence: splice acceptor variant.
Genome position (GRCh38, 1-based): chrX:129,814,797, T>C on the plus strand (A>G on the coding strand, the complement: ZDHHC9 is on the minus strand). VCF-style: chrX-129814797-T-C. GRCh37 (hg19) VCF-style: chrX-128948773-T-C.
Other names: c.488-2A>G (NM_001008222.3).
Identifiers: ClinVar variation 3640685 (VCV003640685.2).

ClinVar aggregate classification (germline): Likely pathogenic (1 of 4 stars; one submission).

Conditions:
Intellectual developmental disorder, X-linked, syndromic, Raymond type. Also called: Syndromic X-linked intellectual disability Raymond type. Identifiers: MedGen C3275406, MONDO:0010427, OMIM 300799.

Submission:

Labcorp Genetics (formerly Invitae), Labcorp
Classification: Likely pathogenic for Intellectual developmental disorder, X-linked, syndromic, Raymond type. Last evaluated: 2024-02-14. Review status: criteria provided, single submitter. Criteria: Invitae Variant Classification Sherloc (09022015). Collection method: clinical testing. Allele origin: germline.
Comment: This sequence change affects an acceptor splice site in intron 5 of the ZDHHC9 gene. It is expected to disrupt RNA splicing. Variants that disrupt the donor or acceptor splice site typically lead to a loss of protein function (PMID: 16199547), and loss-of-function variants in ZDHHC9 are known to be pathogenic (PMID: 17436253, 24357419). This variant is not present in population databases (gnomAD no frequency). This variant has not been reported in the literature in individuals affected with ZDHHC9-related conditions. Algorithms developed to predict the effect of sequence changes on RNA splicing suggest that this variant may disrupt the consensus splice site. In summary, the currently available evidence indicates that the variant is pathogenic, but additional data are needed to prove that conclusively. Therefore, this variant has been classified as Likely Pathogenic.

Literature cited by the submitters: PubMed 16199547; PubMed 17436253; PubMed 24357419.